The following is an entry in ClinVar:

NM_003742.4(ABCB11):c.2817T>G (p.Ile939Met)

Genes: ABCB11 (ATP binding cassette subfamily B member 11; minus strand), LOC126806400 (CDK7 strongly-dependent group 2 enhancer GRCh37_chr2:169791870-169793069; plus strand). Cytogenetic location: 2q31.1.
Variant type: single nucleotide variant.
Coding change: c.2817T>G on transcript NM_003742.4 (MANE Select); coding-DNA position 2817, T replaced by G.
Protein change: p.Ile939Met; replaces isoleucine 939 with methionine.
Molecular consequence: missense variant.
Genome position (GRCh38, 1-based): chr2:168,935,423, A>C on the plus strand (T>G on the coding strand, the complement: ABCB11 is on the minus strand). VCF-style: chr2-168935423-A-C. GRCh37 (hg19) VCF-style: chr2-169791933-A-C.
Other names: short protein forms I939M.
Identifiers: ClinVar variation 4846062 (VCV004846062.1).

ClinVar aggregate classification (germline): Uncertain significance (1 of 4 stars; one submission).

Conditions:
Familial intrahepatic cholestasis. Identifiers: Orphanet 284385, MedGen CN296401, MONDO:0017290.

gnomAD v4.1: 28 of 1,608,892 alleles (0.0017%); highest among the groups gnomAD compares: African/African-American, 0.031%; 1 homozygote.

Submission:

Genomenon, Inc
Classification: Uncertain significance for Familial intrahepatic cholestasis. Last evaluated: 2026-04-14. Review status: criteria provided, single submitter. Criteria: Genomenon Sequence Variant Interpretation Standards - Updated. Collection method: curation. Allele origin: germline. Affected: no.
Comment: ABCB11 p.Ile939Met (c.2817T>G) is a missense variant that changes the amino acid at residue 939 from Isoleucine to Methionine. This variant has been reported in the published literature (PMID:22795478). It is absent or not present at a significant frequency in gnomAD. In conclusion, we classify ABCB11 p.Ile939Met (c.2817T>G) as a variant of uncertain significance.

Literature cited by the submitters: PubMed 22795478.